The following is an entry in ClinVar:

NM_001267550.2(TTN):c.77665G>C (p.Asp25889His)

Genes: TTN (titin; minus strand), TTN-AS1 (TTN antisense RNA 1; plus strand). Cytogenetic location: 2q31.2.
Variant type: single nucleotide variant.
Coding change: c.77665G>C on transcript NM_001267550.2 (MANE Select); coding-DNA position 77665, G replaced by C.
Protein change: p.Asp25889His; replaces aspartic acid 25889 with histidine.
Molecular consequence: missense variant.
Genome position (GRCh38, 1-based): chr2:178,568,467, C>G on the plus strand (G>C on the coding strand, the complement: TTN is on the minus strand). VCF-style: chr2-178568467-C-G. GRCh37 (hg19) VCF-style: chr2-179433194-C-G.
Other names: c.72742G>C, p.Asp24248His (NM_001256850.1); c.50470G>C, p.Asp16824His (NM_003319.4); c.69961G>C, p.Asp23321His (NM_133378.4); c.50845G>C, p.Asp16949His (NM_133432.3); c.51046G>C, p.Asp17016His (NM_133437.4); short protein forms D16824H, D16949H, D17016H, D23321H, D24248H, D25889H.
Identifiers: ClinVar variation 3340553 (VCV003340553.1).

ClinVar aggregate classification (germline): Uncertain significance (1 of 4 stars; one submission).

Submission:

GeneDx
Classification: Uncertain significance. Last evaluated: 2024-03-22. Review status: criteria provided, single submitter. Criteria: GeneDx Variant Classification Process June 2021. Collection method: clinical testing. Allele origin: germline. Affected: yes.
Comment: Not observed at significant frequency in large population cohorts (gnomAD); Missense variant in a gene in which most reported pathogenic variants are truncating/loss of function; Has not been previously published as pathogenic or benign to our knowledge